The following is an entry in ClinVar:

ClinVar aggregate classification (germline): Uncertain significance (1 of 4 stars; one submission).

Conditions:
Hereditary cancer-predisposing syndrome. Also called: Hereditary neoplastic syndrome; Neoplastic Syndromes, Hereditary; Tumor predisposition; Hereditary Cancer Syndrome. Identifiers: Orphanet 140162, MedGen C0027672, MeSH D009386, MONDO:0015356.

Submission:

Ambry Genetics
Classification: Uncertain significance for Hereditary cancer-predisposing syndrome. Last evaluated: 2025-08-27. Review status: criteria provided, single submitter. Criteria: Ambry Variant Classification Scheme 2023. Collection method: clinical testing. Allele origin: germline.
Comment: The p.T94S variant (also known as c.280A>T), located in coding exon 3 of the MUTYH gene, results from an A to T substitution at nucleotide position 280. The threonine at codon 94 is replaced by serine, an amino acid with similar properties. This amino acid position is conserved. In addition, this alteration is predicted to be tolerated by in silico analysis. Based on the available evidence, the clinical significance of this variant remains unclear.

NM_001048174.2(MUTYH):c.196A>T (p.Thr66Ser)

Gene: MUTYH (mutY DNA glycosylase; minus strand). Cytogenetic location: 1p34.1.
Variant type: single nucleotide variant.
Coding change: c.196A>T on transcript NM_001048174.2 (MANE Select); coding-DNA position 196, A replaced by T.
Protein change: p.Thr66Ser; replaces threonine 66 with serine.
Molecular consequence: missense variant. On other transcripts: 5 prime UTR variant (6), non-coding transcript variant (7).
Genome position (GRCh38, 1-based): chr1:45,333,481, T>A on the plus strand (A>T on the coding strand, the complement: MUTYH is on the minus strand). VCF-style: chr1-45333481-T-A. GRCh37 (hg19) VCF-style: chr1-45799153-T-A.
Other names: c.196A>T, p.Thr66Ser (NM_001048171.2, NM_001048173.2, NM_001293195.2 and 6 more transcripts); c.199A>T, p.Thr67Ser (NM_001048172.2, NM_001407071.1, NM_001407078.1 and 2 more transcripts); c.280A>T, p.Thr94Ser (NM_001128425.2); c.241A>T, p.Thr81Ser (NM_001293190.2); c.229A>T, p.Thr77Ser (NM_001293191.2, NM_001407077.1); c.-81A>T (NM_001293192.2, NM_001293196.2, NM_001407091.1); c.-76A>T (NM_001350650.2, NM_001350651.2, NM_001407082.1); c.271A>T, p.Thr91Ser (NM_001407069.1, NM_012222.3); and 3 more; short protein forms T73S, T77S, T80S, T91S, T81S, T94S, T38S, T66S.
Identifiers: ClinVar variation 4113577 (VCV004113577.1).